The following is an entry in ClinVar:

ClinVar aggregate classification (germline): Benign/Likely benign. Review status: criteria provided, multiple submitters, no conflicts (2 of 4 stars). 4 submissions from 4 submitters: Benign (1); Likely benign (2). 1 of the submissions does not count toward it. Last evaluated 2026-01-01.

Conditions:
KMT2B-related disorder. Also called: KMT2B-related disorders; KMT2B-related condition. Identifiers: MedGen CN381338.

Allele frequency attached by ClinVar (database versions not stated): ESP Exome Variant Server 0.00042; gnomAD 0.00048 and 0.00050; gnomAD exomes 0.00052 and 0.00077; ExAC 0.00079; 1000 Genomes Project 30x 0.00094; 1000 Genomes Project 0.00100; TOPMed 0.00101.
gnomAD v4.1: 840 of 1,608,538 alleles (0.052%); highest among the groups gnomAD compares: Admixed American, 0.33%; 1 homozygote.

Submissions (4):

CeGaT Center for Human Genetics Tuebingen
Classification: Benign. Last evaluated: 2026-01-01. Review status: criteria provided, single submitter. Criteria: CeGaT Center For Human Genetics Tuebingen Variant Classification Criteria Version 2. Collection method: clinical testing. Allele origin: germline. Affected: yes. Observed: 3 variant alleles.
Comment: KMT2B: BS1, BS2

Labcorp Genetics (formerly Invitae), Labcorp
Classification: Likely benign. Last evaluated: 2025-12-31. Review status: criteria provided, single submitter. Criteria: Invitae Variant Classification Sherloc (09022015). Collection method: clinical testing. Allele origin: germline.

Blueprint Genetics
Classification: Likely benign. Last evaluated: 2024-11-06. Review status: criteria provided, single submitter. Criteria: ACMG Guidelines, 2015. Collection method: clinical testing. Allele origin: germline.

PreventionGenetics, part of Exact Sciences
Classification: Likely benign for KMT2B-related condition. Last evaluated: 2021-07-12. Review status: no assertion criteria provided. Collection method: clinical testing. Allele origin: germline. Not counted in ClinVar's aggregate classification.
Comment: This variant is classified as likely benign based on ACMG/AMP sequence variant interpretation guidelines (Richards et al. 2015 PMID: 25741868, with internal and published modifications).

NM_014727.3(KMT2B):c.4219G>A (p.Gly1407Arg)

Gene: KMT2B (lysine methyltransferase 2B; plus strand). Cytogenetic location: 19q13.12.
Variant type: single nucleotide variant.
Coding change: c.4219G>A on transcript NM_014727.3 (MANE Select); coding-DNA position 4219, G replaced by A.
Protein change: p.Gly1407Arg; replaces glycine 1407 with arginine.
Molecular consequence: missense variant.
Genome position (GRCh38, 1-based): chr19:35,727,539, G>A. VCF-style: chr19-35727539-G-A. GRCh37 (hg19) VCF-style: chr19-36218440-G-A.
Other names: c.4219G>A (NM_014727.2); short protein forms G1407R.
Identifiers: ClinVar variation 1090363 (VCV001090363.37), dbSNP rs186268702, ClinGen allele CA9385012.